The following is an entry in ClinVar:

NM_020436.5(SALL4):c.2218C>G (p.Pro740Ala)

Gene: SALL4 (spalt like transcription factor 4; minus strand). Cytogenetic location: 20q13.2.
Variant type: single nucleotide variant.
Coding change: c.2218C>G on transcript NM_020436.5 (MANE Select); coding-DNA position 2218, C replaced by G.
Protein change: p.Pro740Ala; replaces proline 740 with alanine.
Molecular consequence: missense variant. On other transcripts: intron variant (1).
Genome position (GRCh38, 1-based): chr20:51,790,265, G>C on the plus strand (C>G on the coding strand, the complement: SALL4 is on the minus strand). VCF-style: chr20-51790265-G-C. GRCh37 (hg19) VCF-style: chr20-50406804-G-C.
Other names: c.2218C>G (LRG_675t1); c.1150+1068C>G (NM_001318031.2); short protein forms P740A.
Identifiers: ClinVar variation 338770 (VCV000338770.34), dbSNP rs149359253, ClinGen allele CA9912144.

ClinVar aggregate classification (germline): Benign/Likely benign. Review status: criteria provided, multiple submitters, no conflicts (2 of 4 stars). 4 submissions from 4 submitters: Benign (2); Likely benign (2). Last evaluated 2026-03-01.

Conditions:
Duane-radial ray syndrome (DRRS). Also called: ACRORENOOCULAR SYNDROME; DR SYNDROME; DUANE ANOMALY WITH RADIAL RAY ABNORMALITIES AND DEAFNESS; Duane-Radial Ray Syndrome/Okihiro Syndrome; Duane-Radial Ray Syndrome (DRRS) / Okihiro Syndrome; Okihiro Syndrome. Identifiers: Orphanet 93293, Orphanet 959, MedGen C1623209, MONDO:0011812, OMIM 607323. Disease mechanism: gain of function.
Oculootoradial syndrome (IVIC). Also called: RADIAL RAY DEFECTS, HEARING IMPAIRMENT, EXTERNAL OPHTHALMOPLEGIA, AND THROMBOCYTOPENIA; IVIC syndrome. Identifiers: Orphanet 2307, MedGen C1327918, MONDO:0007836, OMIM 147750.

Allele frequency attached by ClinVar (database versions not stated): ESP Exome Variant Server 0.00015; TOPMed 0.00037; gnomAD 0.00040 and 0.00044; ExAC 0.00050; gnomAD exomes 0.00072.
gnomAD v4.1: 591 of 1,614,030 alleles (0.037%); highest among the groups gnomAD compares: Non-Finnish European, 0.0055%; 1 homozygote.

Submissions (4):

CeGaT Center for Human Genetics Tuebingen
Classification: Likely benign. Last evaluated: 2026-03-01. Review status: criteria provided, single submitter. Criteria: CeGaT Center For Human Genetics Tuebingen Variant Classification Criteria Version 2. Collection method: clinical testing. Allele origin: germline. Affected: yes. Observed: 4 variant alleles.
Comment: SALL4: BP4, BS1

Labcorp Genetics (formerly Invitae), Labcorp
Classification: Benign for Duane-radial ray syndrome. Last evaluated: 2025-12-02. Review status: criteria provided, single submitter. Criteria: Invitae Variant Classification Sherloc (09022015). Collection method: clinical testing. Allele origin: germline.

Blueprint Genetics
Classification: Likely benign. Last evaluated: 2024-11-26. Review status: criteria provided, single submitter. Criteria: ACMG Guidelines, 2015. Collection method: clinical testing. Allele origin: germline.

Department of Pathology and Laboratory Medicine, Sinai Health System
Classification: Benign for Oculootoradial syndrome; Duane-radial ray syndrome. Last evaluated: 2020-08-25. Review status: criteria provided, single submitter. Criteria: ACMG Guidelines, 2015. Collection method: research. Allele origin: germline.